The following is an entry in ClinVar:

NM_015114.3(ANKLE2):c.1516G>A (p.Val506Ile)

Gene: ANKLE2 (ankyrin repeat and LEM domain containing 2; minus strand). Cytogenetic location: 12q24.33.
Variant type: single nucleotide variant.
Coding change: c.1516G>A on transcript NM_015114.3 (MANE Select); coding-DNA position 1516, G replaced by A.
Protein change: p.Val506Ile; replaces valine 506 with isoleucine.
Molecular consequence: missense variant.
Genome position (GRCh38, 1-based): chr12:132,736,970, C>T on the plus strand (G>A on the coding strand, the complement: ANKLE2 is on the minus strand). VCF-style: chr12-132736970-C-T. GRCh37 (hg19) VCF-style: chr12-133313556-C-T.
Other names: c.1516G>A (NM_015114.1); short protein forms V506I.
Identifiers: ClinVar variation 2577799 (VCV002577799.2), dbSNP rs201450043, ClinGen allele CA6895575.
Genomic context (GRCh38, chr12:132,736,970, plus strand): 5'-GCCCTGCGAAGGCTCTCAGGGTCAGTACCGGGTCTCTGGGGCTGCCTCCATAGCGGCTGA[C>T]GTGAGAGGCCTCAGCCGTCTGGTCTGGGGACCACAGCTCCCCGATGACTGGAGAAGAAGT-3'
Protein context (NP_055929.1, residues 496-516): SPDQTAEASH[Val506Ile]SRYGGSPRDP

ClinVar aggregate classification (germline): Uncertain significance. Review status: criteria provided, multiple submitters, no conflicts (2 of 4 stars). 2 submissions from 2 submitters: Uncertain significance (2). Last evaluated 2023-02-27.

Conditions:
Inborn genetic diseases. Identifiers: MedGen C0950123, MeSH D030342.

Allele frequency attached by ClinVar (database versions not stated): ESP Exome Variant Server 0.00025; TOPMed 0.00036; gnomAD 0.00054; ExAC 0.00060; 1000 Genomes Project 30x 0.00078; 1000 Genomes Project 0.00080.
gnomAD v4.1: 793 of 1,613,868 alleles (0.049%); highest among the groups gnomAD compares: South Asian, 0.12%; 1 homozygote.

Submissions (2):

GeneDx
Classification: Uncertain significance. Last evaluated: 2023-02-27. Review status: criteria provided, single submitter. Criteria: GeneDx Variant Classification Process June 2021. Collection method: clinical testing. Allele origin: germline. Affected: yes.
Comment: In silico analysis supports that this missense variant does not alter protein structure/function; Has not been previously published as pathogenic or benign to our knowledge

Ambry Genetics
Classification: Uncertain significance for Inborn genetic diseases. Last evaluated: 2022-09-02. Review status: criteria provided, single submitter. Criteria: Ambry Variant Classification Scheme 2023. Collection method: clinical testing. Allele origin: germline.